The following is an entry in ClinVar:

NM_001267550.2(TTN):c.105829G>T (p.Val35277Phe)

Genes: TTN-AS1 (TTN antisense RNA 1; plus strand), TTN (titin; minus strand), LOC129935183 (ATAC-STARR-seq lymphoblastoid active region 16808; plus strand). Cytogenetic location: 2q31.2.
Variant type: single nucleotide variant.
Coding change: c.105829G>T on transcript NM_001267550.2 (MANE Select); coding-DNA position 105829, G replaced by T.
Protein change: p.Val35277Phe; replaces valine 35277 with phenylalanine.
Molecular consequence: missense variant.
Genome position (GRCh38, 1-based): chr2:178,530,786, C>A on the plus strand (G>T on the coding strand, the complement: TTN is on the minus strand). VCF-style: chr2-178530786-C-A. GRCh37 (hg19) VCF-style: chr2-179395513-C-A.
Other names: c.100906G>T, p.Val33636Phe (NM_001256850.1); c.78634G>T, p.Val26212Phe (NM_003319.4); c.98125G>T, p.Val32709Phe (NM_133378.4); c.79009G>T, p.Val26337Phe (NM_133432.3); c.79210G>T, p.Val26404Phe (NM_133437.4); short protein forms V33636F, V26337F, V32709F, V26212F, V26404F, V35277F.
Identifiers: ClinVar variation 2949451 (VCV002949451.3), dbSNP rs1688774492, ClinGen allele CA349407655.

ClinVar aggregate classification (germline): Uncertain significance (1 of 4 stars; one submission).

Conditions:
Dilated cardiomyopathy 1G (CMD1G). Identifiers: Orphanet 154, MedGen C1858763, MONDO:0011400, OMIM 604145.
Autosomal recessive limb-girdle muscular dystrophy type 2J (LGMDR10). Also called: Limb-girdle muscular dystrophy, type 2J; MUSCULAR DYSTROPHY, LIMB-GIRDLE, AUTOSOMAL RECESSIVE 10. Identifiers: Orphanet 140922, MedGen C1837342, MONDO:0012127, OMIM 608807.

Submission:

Labcorp Genetics (formerly Invitae), Labcorp
Classification: Uncertain significance for Dilated cardiomyopathy 1G; Autosomal recessive limb-girdle muscular dystrophy type 2J. Last evaluated: 2023-12-11. Review status: criteria provided, single submitter. Criteria: Invitae Variant Classification Sherloc (09022015). Collection method: clinical testing. Allele origin: germline.
Comment: This sequence change replaces valine, which is neutral and non-polar, with phenylalanine, which is neutral and non-polar, at codon 35277 of the TTN protein (p.Val35277Phe). This variant is not present in population databases (gnomAD no frequency). This variant has not been reported in the literature in individuals affected with TTN-related conditions. Experimental studies and prediction algorithms are not available or were not evaluated, and the functional significance of this variant is currently unknown. In summary, the available evidence is currently insufficient to determine the role of this variant in disease. Therefore, it has been classified as a Variant of Uncertain Significance.